The following is an entry in ClinVar:

ClinVar aggregate classification (germline): Uncertain significance (1 of 4 stars; one submission).

gnomAD v4.1: 214 of 1,595,604 alleles (0.013%); highest among the groups gnomAD compares: South Asian, 0.014%; 1 homozygote.

Submission:

GeneDx
Classification: Uncertain significance. Last evaluated: 2026-08-21. Review status: criteria provided, single submitter. Criteria: GeneDx Variant Classification Process June 2021. Collection method: clinical testing. Allele origin: germline.
Comment: In silico analysis suggests that this missense variant does not alter protein structure/function; Has not been previously published as pathogenic or benign to our knowledge

NM_017757.3(ZNF407):c.5770G>A (p.Val1924Met)

Gene: ZNF407 (zinc finger protein 407; plus strand). Cytogenetic location: 18q22.3.
Variant type: single nucleotide variant.
Coding change: c.5770G>A on transcript NM_017757.3 (MANE Select); coding-DNA position 5770, G replaced by A.
Protein change: p.Val1924Met; replaces valine 1924 with methionine.
Molecular consequence: missense variant.
Genome position (GRCh38, 1-based): chr18:75,063,491, G>A. VCF-style: chr18-75063491-G-A. GRCh37 (hg19) VCF-style: chr18-72775447-G-A.
Other names: c.5770G>A, p.Val1924Met (NM_001384475.1); short protein forms V1924M.
Identifiers: ClinVar variation 3773941 (VCV003773941.2).